The following is an entry in ClinVar:

ClinVar aggregate classification (germline): Uncertain significance (1 of 4 stars; one submission).

Conditions:
Kabuki syndrome. Also called: Kabuki make-up syndrome; NIIKAWA-KUROKI SYNDROME. Identifiers: Orphanet 2322, MedGen C0796004, MONDO:0016512.

Allele frequency attached by ClinVar (database versions not stated): gnomAD exomes below 0.00001; gnomAD 0.00001.
gnomAD v4.1: 2 of 1,604,278 alleles (0.00012%); highest among the groups gnomAD compares: African/African-American, 0.0014%; no homozygotes.

Submission:

Labcorp Genetics (formerly Invitae), Labcorp
Classification: Uncertain significance for Kabuki syndrome. Last evaluated: 2024-08-07. Review status: criteria provided, single submitter. Criteria: Invitae Variant Classification Sherloc (09022015). Collection method: clinical testing. Allele origin: germline.
Comment: This sequence change replaces alanine, which is neutral and non-polar, with threonine, which is neutral and polar, at codon 707 of the KMT2D protein (p.Ala707Thr). This variant is not present in population databases (gnomAD no frequency). This variant has not been reported in the literature in individuals affected with KMT2D-related conditions. ClinVar contains an entry for this variant (Variation ID: 1491819). Advanced modeling of protein sequence and biophysical properties (such as structural, functional, and spatial information, amino acid conservation, physicochemical variation, residue mobility, and thermodynamic stability) performed at Invitae indicates that this missense variant is not expected to disrupt KMT2D protein function with a negative predictive value of 95%. In summary, the available evidence is currently insufficient to determine the role of this variant in disease. Therefore, it has been classified as a Variant of Uncertain Significance.

NM_003482.4(KMT2D):c.2119G>A (p.Ala707Thr)

Gene: KMT2D (lysine methyltransferase 2D; minus strand). Cytogenetic location: 12q13.12.
Variant type: single nucleotide variant.
Coding change: c.2119G>A on transcript NM_003482.4 (MANE Select); coding-DNA position 2119, G replaced by A.
Protein change: p.Ala707Thr; replaces alanine 707 with threonine.
Molecular consequence: missense variant.
Genome position (GRCh38, 1-based): chr12:49,051,564, C>T on the plus strand (G>A on the coding strand, the complement: KMT2D is on the minus strand). VCF-style: chr12-49051564-C-T. GRCh37 (hg19) VCF-style: chr12-49445347-C-T.
Other names: short protein forms A707T.
Identifiers: ClinVar variation 1491819 (VCV001491819.8), dbSNP rs1469663249, ClinGen allele CA384668434.
Genomic context (GRCh38, chr12:49,051,564, plus strand): 5'-GCAACAGGGGTGACTCCTCCAGCGGCAGGGACATGAGCGAGTCCTCCGGTGGTGGGGAAG[C>T]AGGTGAGTCCTCAGGTGGTGGGGATGTGGGGGAGTCCTCAGGTGGTGGGGAGAGGCGTGA-3'
Protein context (NP_003473.3, residues 697-717): PTSPPPEDSP[Ala707Thr]SPPPEDSLMS